The following is an entry in ClinVar:

ClinVar aggregate classification (germline): Conflicting classifications of pathogenicity. Review status: criteria provided, conflicting classifications (1 of 4 stars). 2 submissions from 2 submitters: Likely pathogenic (1); Uncertain significance (1). Last evaluated 2024-08-05.

Conditions:
Osteogenesis imperfecta type I (OI1). Also called: Lobstein's Disease; Osteogenesis imperfecta type 1; OI, TYPE I; OSTEOGENESIS IMPERFECTA TARDA; OSTEOGENESIS IMPERFECTA WITH BLUE SCLERAE; Lobstein disease. Identifiers: Orphanet 216796, Orphanet 666, MedGen C0023931, MONDO:0008146, OMIM 166200. Disease mechanism: loss of function.

Submissions (2):

Labcorp Genetics (formerly Invitae), Labcorp
Classification: Likely pathogenic for Osteogenesis imperfecta type I. Last evaluated: 2024-08-05. Review status: criteria provided, single submitter. Criteria: Invitae Variant Classification Sherloc (09022015). Collection method: clinical testing. Allele origin: germline.
Comment: This sequence change falls in intron 32 of the COL1A1 gene. It does not directly change the encoded amino acid sequence of the COL1A1 protein. It affects a nucleotide within the consensus splice site. This variant is not present in population databases (gnomAD no frequency). This variant has been observed in individual(s) with autosomal dominant COL1A1-related conditions (Invitae). It has also been observed to segregate with disease in related individuals. ClinVar contains an entry for this variant (Variation ID: 1020771). Variants that disrupt the consensus splice site are a relatively common cause of aberrant splicing (PMID: 17576681, 9536098). Algorithms developed to predict the effect of sequence changes on RNA splicing suggest that this variant may disrupt the consensus splice site. This variant disrupts the c.2235+5G nucleotide in the COL1A1 gene. Other variant(s) that disrupt this nucleotide have been determined to be pathogenic (PMID: 27509835, 36951356). This suggests that this nucleotide is clinically significant, and that variants that disrupt this position are likely to be disease-causing. In summary, the currently available evidence indicates that the variant is pathogenic, but additional data are needed to prove that conclusively. Therefore, this variant has been classified as Likely Pathogenic.

Blueprint Genetics
Classification: Uncertain significance. Last evaluated: 2021-05-11. Review status: criteria provided, single submitter. Criteria: ACMG Guidelines, 2015. Collection method: clinical testing. Allele origin: germline.

Literature cited by the submitters: PubMed 17576681 (cited by Labcorp Genetics (formerly Invitae), Labcorp); PubMed 9536098 (cited by Labcorp Genetics (formerly Invitae), Labcorp); PubMed 27509835 (cited by Labcorp Genetics (formerly Invitae), Labcorp); PubMed 36951356 (cited by Labcorp Genetics (formerly Invitae), Labcorp).

NM_000088.4(COL1A1):c.2235+5G>T

Gene: COL1A1 (collagen type I alpha 1 chain; minus strand). Cytogenetic location: 17q21.33.
Variant type: single nucleotide variant.
Coding change: c.2235+5G>T on transcript NM_000088.4 (MANE Select); 5 bases into the intron after coding-DNA position 2235, G replaced by T.
Molecular consequence: intron variant.
Genome position (GRCh38, 1-based): chr17:50,191,378, C>A on the plus strand (G>T on the coding strand, the complement: COL1A1 is on the minus strand). VCF-style: chr17-50191378-C-A. GRCh37 (hg19) VCF-style: chr17-48268739-C-A.
Identifiers: ClinVar variation 1020771 (VCV001020771.10), dbSNP rs1907061034, ClinGen allele CA2263916615.
Genomic context (GRCh38, chr17:50,191,378, plus strand): 5'-GAGATTCAAAGCAGGCAGAGATGGGAGCCATGTAGGGCTCAGGGGAGGGGGAAGGTTGAA[C>A]TTACTCTGTCACCCTTAGGCCCTGGAAGACCAGCTGCACCACGTTCACCAGGCATTCCCT-3'